The following is an entry in ClinVar:

ClinVar aggregate classification (germline): Uncertain significance (1 of 4 stars; one submission).

Conditions:
COL1A1-related disorder. Also called: COL1A1- related disease; COL1A1-related condition.

Submission:

PreventionGenetics, part of Exact Sciences
Classification: Uncertain significance for COL1A1-related condition. Last evaluated: 2023-08-01. Review status: criteria provided, single submitter. Criteria: ACMG Guidelines, 2015. Collection method: clinical testing. Allele origin: germline.
Comment: The COL1A1 c.2345G>C variant is predicted to result in the amino acid substitution p.Gly782Ala. To our knowledge, this variant has not been reported in the literature or in a large population database, indicating this variant is rare. The p.Gly782 amino acid is located in the conserved Gly-Xaa-Yaa triple helical domain where substitutions of a glycine are usually pathogenic (Marini et al. 2007. PubMed ID: 17078022). Although we suspect that this variant may be pathogenic, at this time, the clinical significance of this variant is uncertain due to the absence of conclusive functional and genetic evidence.

NM_000088.4(COL1A1):c.2345G>C (p.Gly782Ala)

Gene: COL1A1 (collagen type I alpha 1 chain; minus strand). Cytogenetic location: 17q21.33.
Variant type: single nucleotide variant.
Coding change: c.2345G>C on transcript NM_000088.4 (MANE Select); coding-DNA position 2345, G replaced by C.
Protein change: p.Gly782Ala; replaces glycine 782 with alanine.
Molecular consequence: missense variant.
Genome position (GRCh38, 1-based): chr17:50,190,595, C>G on the plus strand (G>C on the coding strand, the complement: COL1A1 is on the minus strand). VCF-style: chr17-50190595-C-G. GRCh37 (hg19) VCF-style: chr17-48267956-C-G.
Other names: short protein forms G782A.
Identifiers: ClinVar variation 2631781 (VCV002631781.1), dbSNP rs2509192235, ClinGen allele CA400208264.
Genomic context (GRCh38, chr17:50,190,595, plus strand): 5'-GTACTTACGGGGGCACCACGAGCTCCAGTGGGACCAGCAGGGCCGCTGGGACCACTTTCA[C>G]CCTGAGAGCAAGGGACAAGAGGCTCAGGGTCAGGGCCTCCCCTGAATACTCCTAGTAGAT-3'
Protein context (NP_000079.2, residues 772-792): PGPAGAPGDK[Gly782Ala]ESGPSGPAGP